The following is an entry in ClinVar:

ClinVar aggregate classification (germline): Uncertain significance. Review status: criteria provided, multiple submitters, no conflicts (2 of 4 stars). 2 submissions from 2 submitters: Uncertain significance (2). Last evaluated 2025-11-26.

Conditions:
Inborn genetic diseases. Identifiers: MedGen C0950123, MeSH D030342.
Holoprosencephaly 9 (HPE9). Also called: PITUITARY ANOMALIES WITH HOLOPROSENCEPHALY-LIKE FEATURES; HOLOPROSENCEPHALY WITH MICROPHTHALMIA AND FIRST BRANCHIAL ARCH ANOMALIES. Identifiers: Orphanet 2162, MedGen C1835819, MONDO:0012563, OMIM 610829.
Postaxial polydactyly-anterior pituitary anomalies-facial dysmorphism syndrome. Also called: Culler-Jones syndrome. Identifiers: Orphanet 420584, MedGen C4014479, MONDO:0014369, OMIM 615849.

gnomAD v4.1: 8 of 1,463,658 alleles (0.00055%); highest among the groups gnomAD compares: South Asian, 0.0013%; no homozygotes.

Submissions (2):

Ambry Genetics
Classification: Uncertain significance for Inborn genetic diseases. Last evaluated: 2025-11-26. Review status: criteria provided, single submitter. Criteria: Ambry Variant Classification Scheme 2023. Collection method: clinical testing. Allele origin: germline.
Comment: The c.2702C>A (p.P901Q) alteration is located in exon 13 (coding exon 13) of the GLI2 gene. This alteration results from a C to A substitution at nucleotide position 2702, causing the proline (P) at amino acid position 901 to be replaced by a glutamine (Q). Based on data from gnomAD, the A allele has an overall frequency of <0.001% (0/83454) total alleles studied. The highest observed frequency was <0.001% (/) of alleles. Based on insufficient or conflicting evidence, the clinical significance of this alteration remains unclear.

Labcorp Genetics (formerly Invitae), Labcorp
Classification: Uncertain significance for Postaxial polydactyly-anterior pituitary anomalies-facial dysmorphism syndrome; Holoprosencephaly 9. Last evaluated: 2024-04-29. Review status: criteria provided, single submitter. Criteria: Invitae Variant Classification Sherloc (09022015). Collection method: clinical testing. Allele origin: germline.
Comment: This sequence change replaces proline, which is neutral and non-polar, with glutamine, which is neutral and polar, at codon 901 of the GLI2 protein (p.Pro901Gln). This variant is not present in population databases (gnomAD no frequency). This variant has not been reported in the literature in individuals affected with GLI2-related conditions. Advanced modeling of protein sequence and biophysical properties (such as structural, functional, and spatial information, amino acid conservation, physicochemical variation, residue mobility, and thermodynamic stability) performed at Invitae indicates that this missense variant is expected to disrupt GLI2 protein function with a positive predictive value of 80%. In summary, the available evidence is currently insufficient to determine the role of this variant in disease. Therefore, it has been classified as a Variant of Uncertain Significance.

NM_001374353.1(GLI2):c.2651C>A (p.Pro884Gln)

Gene: GLI2 (GLI family zinc finger 2; plus strand). Cytogenetic location: 2q14.2.
Variant type: single nucleotide variant.
Coding change: c.2651C>A on transcript NM_001374353.1 (MANE Select); coding-DNA position 2651, C replaced by A.
Protein change: p.Pro884Gln; replaces proline 884 with glutamine.
Molecular consequence: missense variant.
Genome position (GRCh38, 1-based): chr2:120,988,616, C>A. VCF-style: chr2-120988616-C-A. GRCh37 (hg19) VCF-style: chr2-121746192-C-A.
Other names: c.2702C>A, p.Pro901Gln (NM_001371271.1, NM_005270.5); c.2276C>A, p.Pro759Gln (NM_001374354.1); c.2702C>A (NM_005270.4); short protein forms P759Q, P884Q, P901Q.
Identifiers: ClinVar variation 3758562 (VCV003758562.3).